The following is an entry in ClinVar:

ClinVar aggregate classification (germline): Likely pathogenic (1 of 4 stars; one submission).

Submission:

Labcorp Genetics (formerly Invitae), Labcorp
Classification: Likely pathogenic. Last evaluated: 2022-07-12. Review status: criteria provided, single submitter. Criteria: Invitae Variant Classification Sherloc (09022015). Collection method: clinical testing. Allele origin: germline.
Comment: In summary, the currently available evidence indicates that the variant is pathogenic, but additional data are needed to prove that conclusively. Therefore, this variant has been classified as Likely Pathogenic. Algorithms developed to predict the effect of sequence changes on RNA splicing suggest that this variant may disrupt the consensus splice site. ClinVar contains an entry for this variant (Variation ID: 938398). This variant has not been reported in the literature in individuals affected with COL2A1-related conditions. This variant is not present in population databases (gnomAD no frequency). This sequence change affects an acceptor splice site in intron 47 of the COL2A1 gene. It is expected to disrupt RNA splicing. Variants that disrupt the donor or acceptor splice site typically lead to a loss of protein function (PMID: 16199547), and loss-of-function variants in COL2A1 are known to be pathogenic (PMID: 20179744).

Literature cited by the submitters: PubMed 16199547; PubMed 20179744.

NM_001844.5(COL2A1):c.3328-2A>G

Gene: COL2A1 (collagen type II alpha 1 chain; minus strand). Cytogenetic location: 12q13.11.
Variant type: single nucleotide variant.
Coding change: c.3328-2A>G on transcript NM_001844.5 (MANE Select); the canonical splice acceptor site of the intron before coding-DNA position 3328, A replaced by G.
Molecular consequence: splice acceptor variant.
Genome position (GRCh38, 1-based): chr12:47,976,921, T>C on the plus strand (A>G on the coding strand, the complement: COL2A1 is on the minus strand). VCF-style: chr12-47976921-T-C. GRCh37 (hg19) VCF-style: chr12-48370704-T-C.
Other names: c.3121-2A>G (NM_033150.3).
Identifiers: ClinVar variation 938398 (VCV000938398.8), dbSNP rs1938737244, ClinGen allele CA384539276.